The following is an entry in ClinVar:

NM_001083962.2(TCF4):c.497T>C (p.Met166Thr)

Gene: TCF4 (transcription factor 4; minus strand). Cytogenetic location: 18q21.2.
Variant type: single nucleotide variant.
Coding change: c.497T>C on transcript NM_001083962.2 (MANE Select); coding-DNA position 497, T replaced by C.
Protein change: p.Met166Thr; replaces methionine 166 with threonine.
Molecular consequence: missense variant.
Genome position (GRCh38, 1-based): chr18:55,350,876, A>G on the plus strand (T>C on the coding strand, the complement: TCF4 is on the minus strand). VCF-style: chr18-55350876-A-G. GRCh37 (hg19) VCF-style: chr18-53018107-A-G.
Other names: c.803T>C, p.Met268Thr (NM_001243226.3); c.425T>C, p.Met142Thr (NM_001243227.2, NM_001306207.1, NM_001348217.1 and 9 more transcripts); c.497T>C, p.Met166Thr (NM_001243228.2, NM_001330604.3, NM_001369567.1 and 5 more transcripts); c.491T>C, p.Met164Thr (NM_001243230.2); c.371T>C, p.Met124Thr (NM_001243231.2, NM_001348211.2); c.284T>C, p.Met95Thr (NM_001243232.1, NM_001306208.1); c.107T>C, p.Met36Thr (NM_001243233.2, NM_001330605.3, NM_001348212.2 and 1 more transcripts); c.422T>C, p.Met141Thr (NM_001348220.1, NM_001369576.1, NM_001369578.1 and 3 more transcripts); and 1 more; short protein forms M124T, M141T, M142T, M164T, M165T, M166T, M268T, M36T.
Identifiers: ClinVar variation 2501597 (VCV002501597.1), dbSNP rs2514749234, ClinGen allele CA402702451.

ClinVar aggregate classification (germline): Uncertain significance (1 of 4 stars; one submission).

Allele frequency attached by ClinVar (database versions not stated): gnomAD exomes below 0.00001.

Submission:

GeneDx
Classification: Uncertain significance. Last evaluated: 2022-11-02. Review status: criteria provided, single submitter. Criteria: GeneDx Variant Classification Process June 2021. Collection method: clinical testing. Allele origin: germline. Affected: yes.
Comment: Not observed at significant frequency in large population cohorts (gnomAD); In silico analysis supports that this missense variant does not alter protein structure/function; Has not been previously published as pathogenic or benign to our knowledge